The following is an entry in ClinVar:

ClinVar aggregate classification (germline): Likely benign (1 of 4 stars; one submission).

Allele frequency attached by ClinVar (database versions not stated): 1000 Genomes Project 0.00339; 1000 Genomes Project 30x 0.00344; gnomAD 0.00449; TOPMed 0.00458; gnomAD exomes 0.00690.
gnomAD v4.1: 1,259 of 233,120 alleles (0.54%); highest among the groups gnomAD compares: Non-Finnish European, 0.82%; 6 homozygotes.

Submission:

CeGaT Center for Human Genetics Tuebingen
Classification: Likely benign. Last evaluated: 2023-04-01. Review status: criteria provided, single submitter. Criteria: CeGaT Center For Human Genetics Tuebingen Variant Classification Criteria Version 2. Collection method: clinical testing. Allele origin: germline. Affected: yes. Observed: 6 variant alleles.
Comment: FGFR1: BS1

NM_023110.3(FGFR1):c.-89+214G>A

Gene: FGFR1 (fibroblast growth factor receptor 1; minus strand). Cytogenetic location: 8p11.23.
Variant type: single nucleotide variant.
Coding change: c.-89+214G>A on transcript NM_023110.3 (MANE Select); 214 bases into the intron after 89 bases upstream of the start codon, G replaced by A.
Molecular consequence: intron variant.
Genome position (GRCh38, 1-based): chr8:38,467,767, C>T on the plus strand (G>A on the coding strand, the complement: FGFR1 is on the minus strand). VCF-style: chr8-38467767-C-T. GRCh37 (hg19) VCF-style: chr8-38325285-C-T.
Other names: c.-89+214G>A (NM_023106.3, NM_023105.3, NM_001354367.2 and 4 more transcripts); c.-181+214G>A (NM_001174064.2).
Identifiers: ClinVar variation 2571315 (VCV002571315.24), dbSNP rs17182099, ClinGen allele CA175775737.